The following is an entry in ClinVar:

NM_024408.4(NOTCH2):c.5357G>A (p.Arg1786Gln)

Gene: NOTCH2 (notch receptor 2; minus strand). Cytogenetic location: 1p12.
Variant type: single nucleotide variant.
Coding change: c.5357G>A on transcript NM_024408.4 (MANE Select); coding-DNA position 5357, G replaced by A.
Protein change: p.Arg1786Gln; replaces arginine 1786 with glutamine.
Molecular consequence: missense variant.
Genome position (GRCh38, 1-based): chr1:119,920,351, C>T on the plus strand (G>A on the coding strand, the complement: NOTCH2 is on the minus strand). VCF-style: chr1-119920351-C-T. GRCh37 (hg19) VCF-style: chr1-120462974-C-T.
Other names: short protein forms R1786Q.
Identifiers: ClinVar variation 2914436 (VCV002914436.3), dbSNP rs587634422, ClinGen allele CA1039652.

ClinVar aggregate classification (germline): Uncertain significance (1 of 4 stars; one submission).

Conditions:
Hajdu-Cheney syndrome (HJCYS). Also called: Acroosteolysis dominant type; SERPENTINE FIBULA-POLYCYSTIC KIDNEY SYNDROME; ACROOSTEOLYSIS WITH OSTEOPOROSIS AND CHANGES IN SKULL AND MANDIBLE. Identifiers: Orphanet 955, MedGen C0917715, MONDO:0007057, OMIM 102500.

Allele frequency attached by ClinVar (database versions not stated): ExAC 0.00002; gnomAD 0.00002; TOPMed 0.00002; gnomAD exomes 0.00003; 1000 Genomes Project 30x 0.00016; 1000 Genomes Project 0.00020.
gnomAD v4.1: 41 of 1,614,146 alleles (0.0025%); highest among the groups gnomAD compares: East Asian, 0.02%; no homozygotes.

Submission:

Labcorp Genetics (formerly Invitae), Labcorp
Classification: Uncertain significance for Hajdu-Cheney syndrome. Last evaluated: 2024-05-14. Review status: criteria provided, single submitter. Criteria: Invitae Variant Classification Sherloc (09022015). Collection method: clinical testing. Allele origin: germline.
Comment: This sequence change replaces arginine, which is basic and polar, with glutamine, which is neutral and polar, at codon 1786 of the NOTCH2 protein (p.Arg1786Gln). This variant is present in population databases (rs587634422, gnomAD 0.04%). This variant has not been reported in the literature in individuals affected with NOTCH2-related conditions. Advanced modeling of protein sequence and biophysical properties (such as structural, functional, and spatial information, amino acid conservation, physicochemical variation, residue mobility, and thermodynamic stability) performed at Invitae indicates that this missense variant is not expected to disrupt NOTCH2 protein function with a negative predictive value of 80%. In summary, the available evidence is currently insufficient to determine the role of this variant in disease. Therefore, it has been classified as a Variant of Uncertain Significance.